The following is an entry in ClinVar:

NM_001369.3(DNAH5):c.4986G>A (p.Trp1662Ter)

Gene: DNAH5 (dynein axonemal heavy chain 5; minus strand). Cytogenetic location: 5p15.2.
Variant type: single nucleotide variant.
Coding change: c.4986G>A on transcript NM_001369.3 (MANE Select); coding-DNA position 4986, G replaced by A.
Protein change: p.Trp1662Ter; replaces tryptophan 1662 with a stop codon.
Molecular consequence: nonsense.
Genome position (GRCh38, 1-based): chr5:13,850,780, C>T on the plus strand (G>A on the coding strand, the complement: DNAH5 is on the minus strand). VCF-style: chr5-13850780-C-T. GRCh37 (hg19) VCF-style: chr5-13850889-C-T.
Other names: short protein forms W1662*.
Identifiers: ClinVar variation 5013007 (VCV005013007.1).

ClinVar aggregate classification (germline): Pathogenic (1 of 4 stars; one submission).

Conditions:
Primary ciliary dyskinesia 3. Identifiers: Orphanet 244, MedGen C1837618, MONDO:0012085, OMIM 608644.

gnomAD v4.1: 1 of 1,614,008 alleles (0.000062%); highest among the groups gnomAD compares: African/African-American, 0.0013%; no homozygotes.

Submission:

Myriad Genetics, Inc.
Classification: Pathogenic for Primary ciliary dyskinesia 3. Last evaluated: 2024-05-04. Review status: criteria provided, single submitter. Criteria: Myriad Autosomal Dominant, Autosomal Recessive and X-Linked Classification Criteria (2023). Collection method: clinical testing. Allele origin: unknown.
Comment: NM_001369.2(DNAH5):c.4986G>A(W1662*) is expected to be pathogenic in the context of primary ciliary dyskinesia, DNAH5-related. This variant is predicted to lead to an abnormal or absent protein product due to the creation of a premature termination codon in DNAH5, a gene where loss-of-function variants are known to be pathogenic. Please note: this variant was assessed in the context of healthy population screening.